The following is an entry in ClinVar:

ClinVar aggregate classification (germline): Likely benign. Review status: criteria provided, multiple submitters, no conflicts (2 of 4 stars). 2 submissions from 2 submitters: Likely benign (2). Last evaluated 2024-10-26.

Conditions:
PCNT-related disorder. Also called: PCNT-related condition.

gnomAD v4.1: 1 of 1,613,442 alleles (0.000062%); highest among the groups gnomAD compares: Non-Finnish European, 0.000085%; no homozygotes.

Submissions (2):

PreventionGenetics, part of Exact Sciences
Classification: Likely benign for PCNT-related condition. Last evaluated: 2024-10-26. Review status: criteria provided, single submitter. Criteria: ACMG Guidelines, 2015. Collection method: clinical testing. Allele origin: germline.
Comment: This variant is classified as likely benign based on ACMG/AMP sequence variant interpretation guidelines (Richards et al. 2015 PMID: 25741868, with internal and published modifications).

Labcorp Genetics (formerly Invitae), Labcorp
Classification: Likely benign. Last evaluated: 2021-08-11. Review status: criteria provided, single submitter. Criteria: Invitae Variant Classification Sherloc (09022015). Collection method: clinical testing. Allele origin: germline.

NM_006031.6(PCNT):c.9084G>A (p.Arg3028=)

Gene: PCNT (pericentrin; plus strand). Cytogenetic location: 21q22.3.
Variant type: single nucleotide variant.
Coding change: c.9084G>A on transcript NM_006031.6 (MANE Select); coding-DNA position 9084, G replaced by A.
Protein change: p.Arg3028=; no amino-acid change (arginine 3028 retained).
Molecular consequence: synonymous variant.
Genome position (GRCh38, 1-based): chr21:46,437,066, G>A. VCF-style: chr21-46437066-G-A. GRCh37 (hg19) VCF-style: chr21-47856979-G-A.
Other names: c.8493G>A, p.Arg2831= (NM_001315529.2); c.9084G>A (NM_006031.5).
Identifiers: ClinVar variation 1545413 (VCV001545413.9), dbSNP rs896784926, ClinGen allele CA322024993.